The following is an entry in ClinVar:

ClinVar aggregate classification (germline): Uncertain significance. Review status: criteria provided, multiple submitters, no conflicts (2 of 4 stars). 2 submissions from 2 submitters: Uncertain significance (2). Last evaluated 2022-01-20.

Conditions:
Ataxia-telangiectasia syndrome (AT). Also called: Cerebello-oculocutaneous telangiectasia; Immunodeficiency with ataxia telangiectasia; Ataxia-telangiectasia, complementation group E; Ataxia-telangiectasia, complementation group D; AT, COMPLEMENTATION GROUP C; ATAXIA-TELANGIECTASIA, COMPLEMENTATION GROUP A. Identifiers: Orphanet 100, MedGen C0004135, MONDO:0008840, OMIM 208900.

Allele frequency attached by ClinVar (database versions not stated): gnomAD exomes below 0.00001.
gnomAD v4.1: 1 of 1,614,212 alleles (0.000062%); highest among the groups gnomAD compares: Non-Finnish European, 0.000085%; no homozygotes.

Submissions (2):

Labcorp Genetics (formerly Invitae), Labcorp
Classification: Uncertain significance for Ataxia-telangiectasia syndrome. Last evaluated: 2022-01-20. Review status: criteria provided, single submitter. Criteria: Invitae Variant Classification Sherloc (09022015). Collection method: clinical testing. Allele origin: germline.
Comment: In summary, the available evidence is currently insufficient to determine the role of this variant in disease. Therefore, it has been classified as a Variant of Uncertain Significance. Advanced modeling of protein sequence and biophysical properties (such as structural, functional, and spatial information, amino acid conservation, physicochemical variation, residue mobility, and thermodynamic stability) performed at Invitae indicates that this missense variant is not expected to disrupt ATM protein function. ClinVar contains an entry for this variant (Variation ID: 524384). This variant has not been reported in the literature in individuals affected with ATM-related conditions. This variant is not present in population databases (gnomAD no frequency). This sequence change replaces tyrosine, which is neutral and polar, with cysteine, which is neutral and slightly polar, at codon 2170 of the ATM protein (p.Tyr2170Cys).

Genetic Services Laboratory, University of Chicago
Classification: Uncertain significance. Last evaluated: 2018-04-12. Review status: criteria provided, single submitter. Criteria: ACMG Guidelines, 2015. Collection method: clinical testing. Allele origin: germline. Affected: no.

NM_000051.4(ATM):c.6509A>G (p.Tyr2170Cys)

Genes: ATM (ATM serine/threonine kinase; plus strand), C11orf65 (chromosome 11 open reading frame 65; minus strand). Cytogenetic location: 11q22.3.
Variant type: single nucleotide variant.
Coding change: c.6509A>G on transcript NM_000051.4 (MANE Select); coding-DNA position 6509, A replaced by G.
Protein change: p.Tyr2170Cys; replaces tyrosine 2170 with cysteine.
Molecular consequence: missense variant. On other transcripts: intron variant (2).
Genome position (GRCh38, 1-based): chr11:108,321,357, A>G. VCF-style: chr11-108321357-A-G. GRCh37 (hg19) VCF-style: chr11-108192084-A-G.
Other names: c.6509A>G, p.Tyr2170Cys (NM_001351834.2); c.641-12286T>C (NM_001330368.2); c.*39-12286T>C (NM_001351110.2); short protein forms Y2170C.
Identifiers: ClinVar variation 524384 (VCV000524384.12), dbSNP rs1555117171, ClinGen allele CA382554111.
Genomic context (GRCh38, chr11:108,321,357, plus strand): 5'-CTAGAGTAAAAGAAGTGGAAGAGATGTGTAAGCGCAGCCTTGAGTCTGTGTATTCGCTCT[A>G]TCCCACACTTAGCAGGTTGCAGGCCATTGGAGAGCTGGAAAGCATTGGGGAGCTTTTCTC-3'
Protein context (NP_000042.3, residues 2160-2180): KRSLESVYSL[Tyr2170Cys]PTLSRLQAIG